The following is an entry in ClinVar:

ClinVar aggregate classification (germline): Uncertain significance (1 of 4 stars; one submission).

Allele frequency attached by ClinVar (database versions not stated): gnomAD exomes below 0.00001; TOPMed below 0.00001.
gnomAD v4.1: 1 of 1,611,632 alleles (0.000062%); highest among the groups gnomAD compares: Non-Finnish European, 0.000085%; no homozygotes.

Submission:

Ambry Genetics
Classification: Uncertain significance. Last evaluated: 2024-06-11. Review status: criteria provided, single submitter. Criteria: Ambry Variant Classification Scheme 2023. Collection method: clinical testing. Allele origin: germline.
Comment: The p.I924V variant (also known as c.2770A>G), located in coding exon 16 of the POLQ gene, results from an A to G substitution at nucleotide position 2770. The isoleucine at codon 924 is replaced by valine, an amino acid with highly similar properties. This amino acid position is conserved. In addition, this alteration is predicted to be tolerated by in silico analysis. Since supporting evidence is limited at this time, the clinical significance of this alteration remains unclear.

NM_199420.4(POLQ):c.2770A>G (p.Ile924Val)

Gene: POLQ (DNA polymerase theta; minus strand). Cytogenetic location: 3q13.33.
Variant type: single nucleotide variant.
Coding change: c.2770A>G on transcript NM_199420.4 (MANE Select); coding-DNA position 2770, A replaced by G.
Protein change: p.Ile924Val; replaces isoleucine 924 with valine.
Molecular consequence: missense variant.
Genome position (GRCh38, 1-based): chr3:121,490,161, T>C on the plus strand (A>G on the coding strand, the complement: POLQ is on the minus strand). VCF-style: chr3-121490161-T-C. GRCh37 (hg19) VCF-style: chr3-121209008-T-C.
Other names: short protein forms I924V.
Identifiers: ClinVar variation 1795806 (VCV001795806.3), dbSNP rs2048054873, ClinGen allele CA354104719.